The following is an entry in ClinVar:

NC_000002.11:g.(?_26414119)_(26712628_?)dup

Genes: ADGRF3 (adhesion G protein-coupled receptor F3; minus strand), DRC1 (dynein regulatory complex subunit 1; plus strand), HADHA (hydroxyacyl-CoA dehydrogenase trifunctional multienzyme complex subunit alpha; minus strand), HADHB (hydroxyacyl-CoA dehydrogenase trifunctional multienzyme complex subunit beta; plus strand), OTOF (otoferlin; minus strand) and 1 more. Cytogenetic location: 2p23.3.
Variant type: Duplication.
Identifiers: ClinVar variation 2427621 (VCV002427621.4).

ClinVar aggregate classification (germline): Uncertain significance (1 of 4 stars; one submission).

Submission:

Labcorp Genetics (formerly Invitae), Labcorp
Classification: Uncertain significance. Last evaluated: 2022-11-01. Review status: criteria provided, single submitter. Criteria: Invitae Variant Classification Sherloc (09022015). Collection method: clinical testing. Allele origin: germline.
Comment: In summary, the available evidence is currently insufficient to determine the role of this variant in disease. Therefore, it has been classified as a Variant of Uncertain Significance. This variant has not been reported in the literature in individuals affected with OTOF-related conditions. This variant results in a copy number gain of the genomic region encompassing exon(s) 10-47 of the OTOF gene. This region includes the termination codon of the gene. This copy number gain extends beyond the assayed region for this gene and therefore may encompass additional genes. As the precise location of this event is unknown, it may be in tandem or it may be located elsewhere in the genome.